The following is an entry in ClinVar:

NM_004984.4(KIF5A):c.2735G>C (p.Arg912Pro)

Gene: KIF5A (kinesin family member 5A; plus strand). Cytogenetic location: 12q13.3.
Variant type: single nucleotide variant.
Coding change: c.2735G>C on transcript NM_004984.4 (MANE Select); coding-DNA position 2735, G replaced by C.
Protein change: p.Arg912Pro; replaces arginine 912 with proline.
Molecular consequence: missense variant.
Genome position (GRCh38, 1-based): chr12:57,581,152, G>C. VCF-style: chr12-57581152-G-C. GRCh37 (hg19) VCF-style: chr12-57974935-G-C.
Other names: c.2468G>C, p.Arg823Pro (NM_001354705.2); c.2735G>C (NM_004984.2); short protein forms R912P, R823P.
Identifiers: ClinVar variation 2819298 (VCV002819298.4), dbSNP rs1882584560, ClinGen allele CA385515395.

ClinVar aggregate classification (germline): Uncertain significance. Review status: criteria provided, multiple submitters, no conflicts (2 of 4 stars). 2 submissions from 2 submitters: Uncertain significance (2). Last evaluated 2025-07-03.

Conditions:
Inborn genetic diseases. Identifiers: MedGen C0950123, MeSH D030342.
Spastic paraplegia. Identifiers: MedGen C0037772, HP:0001258.

Submissions (2):

Ambry Genetics
Classification: Uncertain significance for Inborn genetic diseases. Last evaluated: 2025-07-03. Review status: criteria provided, single submitter. Criteria: Ambry Variant Classification Scheme 2023. Collection method: clinical testing. Allele origin: germline.

Labcorp Genetics (formerly Invitae), Labcorp
Classification: Uncertain significance for Spastic paraplegia. Last evaluated: 2023-01-06. Review status: criteria provided, single submitter. Criteria: Invitae Variant Classification Sherloc (09022015). Collection method: clinical testing. Allele origin: germline.
Comment: In summary, the available evidence is currently insufficient to determine the role of this variant in disease. Therefore, it has been classified as a Variant of Uncertain Significance. Algorithms developed to predict the effect of missense changes on protein structure and function (SIFT, PolyPhen-2, Align-GVGD) all suggest that this variant is likely to be disruptive. This variant has not been reported in the literature in individuals affected with KIF5A-related conditions. This variant is not present in population databases (gnomAD no frequency). This sequence change replaces arginine, which is basic and polar, with proline, which is neutral and non-polar, at codon 912 of the KIF5A protein (p.Arg912Pro).